The following is an entry in ClinVar:

NM_015338.6(ASXL1):c.16AAG[3] (p.Lys9del)

Gene: ASXL1 (ASXL transcriptional regulator 1; plus strand). Cytogenetic location: 20q11.21.
Variant type: Microsatellite.
Coding change: c.16AAG[3] on transcript NM_015338.6 (MANE Select); three copies in a row of the 3-base unit AAG starting at c.16; the reference has four copies in a row; one copy, 3 bases deleted.
Protein change: p.Lys9del; deletes lysine 9.
Molecular consequence: inframe deletion.
Genome position (GRCh38, 1-based): chr20:32,358,800-32,358,802, AAG deleted; deleting any 3 consecutive bases within chr20:32,358,789-32,358,802 gives the same sequence; the position shown is the placement nearest the transcript's 3' end. VCF-style (leftmost placement, unchanged base first): chr20-32358788-CAGA-C. GRCh37 (hg19) VCF-style: chr20-30946591-CAGA-C.
Other names: c.16AAG[3], p.Lys9del (NM_001164603.1); short protein forms K9del.
Identifiers: ClinVar variation 1272899 (VCV001272899.26), dbSNP rs752094508, ClinGen allele CA9807947.

ClinVar aggregate classification (germline): Benign/Likely benign. Review status: criteria provided, multiple submitters, no conflicts (2 of 4 stars). 4 submissions from 4 submitters: Benign (1); Likely benign (3). Last evaluated 2025-11-03.

Conditions:
ASXL1-related disorder. Also called: ASXL1-related condition; ASXL1-related disorders.

Submissions (4):

Labcorp Genetics (formerly Invitae), Labcorp
Classification: Likely benign. Last evaluated: 2025-11-03. Review status: criteria provided, single submitter. Criteria: Invitae Variant Classification Sherloc (09022015). Collection method: clinical testing. Allele origin: germline.

PreventionGenetics, part of Exact Sciences
Classification: Likely benign for ASXL1-related condition. Last evaluated: 2025-08-30. Review status: criteria provided, single submitter. Criteria: ACMG Guidelines, 2015. Collection method: clinical testing. Allele origin: germline.
Comment: This variant is classified as likely benign based on ACMG/AMP sequence variant interpretation guidelines (Richards et al. 2015 PMID: 25741868, with internal and published modifications).

CeGaT Center for Human Genetics Tuebingen
Classification: Likely benign. Last evaluated: 2024-07-01. Review status: criteria provided, single submitter. Criteria: CeGaT Center For Human Genetics Tuebingen Variant Classification Criteria Version 2. Collection method: clinical testing. Allele origin: germline. Affected: yes. Observed: 1 variant allele.
Comment: ASXL1: BP3

GeneDx
Classification: Benign. Last evaluated: 2020-12-04. Review status: criteria provided, single submitter. Criteria: GeneDx Variant Classification Process June 2021. Collection method: clinical testing. Allele origin: germline. Affected: yes.